The following is an entry in ClinVar:

NM_006612.6(KIF1C):c.1039C>T (p.Gln347Ter)

Gene: KIF1C (kinesin family member 1C; plus strand). Cytogenetic location: 17p13.2.
Variant type: single nucleotide variant.
Coding change: c.1039C>T on transcript NM_006612.6 (MANE Select); coding-DNA position 1039, C replaced by T.
Protein change: p.Gln347Ter; replaces glutamine 347 with a stop codon.
Molecular consequence: nonsense.
Genome position (GRCh38, 1-based): chr17:5,004,874, C>T. VCF-style: chr17-5004874-C-T. GRCh37 (hg19) VCF-style: chr17-4908169-C-T.
Other names: short protein forms Q347*.
Identifiers: ClinVar variation 4738673 (VCV004738673.1), dbSNP rs1974690294.
Genomic context (GRCh38, chr17:5,004,874, plus strand): 5'-CTGCCCCCAGGCCTCACCGACCCTGCTCCTCTGTCACCCAGGTATGCTGACCGCACCAAG[C>T]AAATCCGCTGCAATGCCATCATCAACGAGGACCCTAATGCCCGGCTGATTAGAGAGCTGC-3'

ClinVar aggregate classification (germline): Pathogenic (1 of 4 stars; one submission).

Conditions:
Spastic ataxia 2. Also called: Ataxia, spastic, 2, autosomal recessive. Identifiers: Orphanet 397946, MedGen C1969796, MONDO:0012651, OMIM 611302.

gnomAD v4.1: 3 of 1,614,248 alleles (0.00019%); highest among the groups gnomAD compares: Non-Finnish European, 0.00025%; no homozygotes.

Submission:

Labcorp Genetics (formerly Invitae), Labcorp
Classification: Pathogenic for Spastic ataxia 2. Last evaluated: 2025-11-18. Review status: criteria provided, single submitter. Criteria: Invitae Variant Classification Sherloc (09022015). Collection method: clinical testing. Allele origin: germline.
Comment: This sequence change creates a premature translational stop signal (p.Gln347*) in the KIF1C gene. It is expected to result in an absent or disrupted protein product. Loss-of-function variants in KIF1C are known to be pathogenic (PMID: 24319291, 24482476). This variant is not present in population databases (gnomAD no frequency). This variant has not been reported in the literature in individuals affected with KIF1C-related conditions. For these reasons, this variant has been classified as Pathogenic.

Literature cited by the submitters: PubMed 24319291; PubMed 24482476.